The following is an entry in ClinVar:

ClinVar aggregate classification (germline): Uncertain significance (1 of 4 stars; one submission).

gnomAD v4.1: 4 of 1,604,862 alleles (0.00025%); highest among the groups gnomAD compares: Non-Finnish European, 0.00034%; no homozygotes.

Submission:

GeneDx
Classification: Uncertain significance. Last evaluated: 2025-03-24. Review status: criteria provided, single submitter. Criteria: GeneDx Variant Classification Process June 2021. Collection method: clinical testing. Allele origin: germline. Affected: yes.
Comment: Not observed at significant frequency in large population cohorts (gnomAD); In silico analysis indicates that this variant does not alter splicing; Has not been previously published as pathogenic or benign to our knowledge

NM_001128840.3(CACNA1D):c.423G>A (p.Val141=)

Gene: CACNA1D (calcium voltage-gated channel subunit alpha1 D; plus strand). Cytogenetic location: 3p21.1.
Variant type: single nucleotide variant.
Coding change: c.423G>A on transcript NM_001128840.3 (MANE Select); coding-DNA position 423, G replaced by A.
Protein change: p.Val141=; no amino-acid change (valine 141 retained).
Molecular consequence: synonymous variant.
Genome position (GRCh38, 1-based): chr3:53,501,660, G>A. VCF-style: chr3-53501660-G-A. GRCh37 (hg19) VCF-style: chr3-53535687-G-A.
Other names: c.423G>A, p.Val141= (NM_000720.4, NM_001128839.3).
Identifiers: ClinVar variation 4088236 (VCV004088236.1).